The following is an entry in ClinVar:

ClinVar aggregate classification (germline): Uncertain significance (1 of 4 stars; one submission).

Allele frequency attached by ClinVar (database versions not stated): TOPMed below 0.00001; gnomAD 0.00001; 1000 Genomes Project 30x 0.00016; ExAC 0.00019; 1000 Genomes Project 0.00020.
gnomAD v4.1: 51 of 1,551,678 alleles (0.0033%); highest among the groups gnomAD compares: South Asian, 0.051%; 1 homozygote.

Submission:

Labcorp Genetics (formerly Invitae), Labcorp
Classification: Uncertain significance. Last evaluated: 2025-12-15. Review status: criteria provided, single submitter. Criteria: Invitae Variant Classification Sherloc (09022015). Collection method: clinical testing. Allele origin: germline.
Comment: This sequence change replaces glutamic acid, which is acidic and polar, with lysine, which is basic and polar, at codon 226 of the FOXI3 protein (p.Glu226Lys). This variant is present in population databases (rs542613834, gnomAD 0.07%), and has an allele count higher than expected for a pathogenic variant. This variant has not been reported in the literature in individuals affected with FOXI3-related conditions. ClinVar contains an entry for this variant (Variation ID: 2176357). Experimental studies and prediction algorithms are not available or were not evaluated, and the functional significance of this variant is currently unknown. In summary, the available evidence is currently insufficient to determine the role of this variant in disease. Therefore, it has been classified as a Variant of Uncertain Significance.

NM_001135649.3(FOXI3):c.676G>A (p.Glu226Lys)

Gene: FOXI3 (forkhead box I3; minus strand). Cytogenetic location: 2p11.2.
Variant type: single nucleotide variant.
Coding change: c.676G>A on transcript NM_001135649.3 (MANE Select); coding-DNA position 676, G replaced by A.
Protein change: p.Glu226Lys; replaces glutamic acid 226 with lysine.
Molecular consequence: missense variant.
Genome position (GRCh38, 1-based): chr2:88,448,794, C>T on the plus strand (G>A on the coding strand, the complement: FOXI3 is on the minus strand). VCF-style: chr2-88448794-C-T. GRCh37 (hg19) VCF-style: chr2-88748313-C-T.
Other names: short protein forms E226K.
Identifiers: ClinVar variation 2176357 (VCV002176357.4), dbSNP rs542613834, ClinGen allele CA1754000.